The following is an entry in ClinVar:

ClinVar aggregate classification (germline): Likely benign. Review status: criteria provided, multiple submitters, no conflicts (2 of 4 stars). 5 submissions from 5 submitters: Likely benign (5). Last evaluated 2026-01-12.

Conditions:
PDE6B-related disorder. Also called: PDE6B-related disease; PDE6B-related condition; PDE6B-related disorders.

Allele frequency attached by ClinVar (database versions not stated): gnomAD 0.00017 and 0.00018; gnomAD exomes 0.00017 and 0.00039; 1000 Genomes Project 0.00020; TOPMed 0.00020; 1000 Genomes Project 30x 0.00031; ExAC 0.00031; ESP Exome Variant Server 0.00031.
gnomAD v4.1: 291 of 1,612,342 alleles (0.018%); highest among the groups gnomAD compares: Admixed American, 0.067%; 1 homozygote.

Submissions (5):

Labcorp Genetics (formerly Invitae), Labcorp
Classification: Likely benign. Last evaluated: 2026-01-12. Review status: criteria provided, single submitter. Criteria: Invitae Variant Classification Sherloc (09022015). Collection method: clinical testing. Allele origin: germline.

PreventionGenetics, part of Exact Sciences
Classification: Likely benign for PDE6B-related condition. Last evaluated: 2025-01-28. Review status: criteria provided, single submitter. Criteria: ACMG Guidelines, 2015. Collection method: clinical testing. Allele origin: germline.
Comment: This variant is classified as likely benign based on ACMG/AMP sequence variant interpretation guidelines (Richards et al. 2015 PMID: 25741868, with internal and published modifications).

Blueprint Genetics
Classification: Likely benign. Last evaluated: 2024-11-20. Review status: criteria provided, single submitter. Criteria: ACMG Guidelines, 2015. Collection method: clinical testing. Allele origin: germline.

GeneDx
Classification: Likely benign. Last evaluated: 2020-11-19. Review status: criteria provided, single submitter. Criteria: GeneDx Variant Classification Process June 2021. Collection method: clinical testing. Allele origin: germline. Affected: yes.
Comment: See Variant Classification Assertion Criteria.

Breakthrough Genomics
Classification: Likely benign. Review status: criteria provided, single submitter. Criteria: ACMG Guidelines, 2015. Collection method: not provided. Allele origin: germline. Inheritance: Autosomal recessive inheritance. Affected: yes.

NM_000283.4(PDE6B):c.1108-10G>A

Gene: PDE6B (phosphodiesterase 6B; plus strand). Cytogenetic location: 4p16.3.
Variant type: single nucleotide variant.
Coding change: c.1108-10G>A on transcript NM_000283.4 (MANE Select); 10 bases into the intron before coding-DNA position 1108, G replaced by A.
Molecular consequence: intron variant.
Genome position (GRCh38, 1-based): chr4:656,864, G>A. VCF-style: chr4-656864-G-A. GRCh37 (hg19) VCF-style: chr4-650653-G-A.
Other names: c.1108-10G>A (NM_001145291.2, NM_000283.3); c.271-10G>A (NM_001379246.1, NM_001379247.1, NM_001145292.2 and 1 more transcripts); c.-48-10G>A (NM_001350155.3).
Identifiers: ClinVar variation 1083165 (VCV001083165.13), dbSNP rs374534089, ClinGen allele CA2794362.